The following is an entry in ClinVar:

NM_015295.3(SMCHD1):c.5881A>G (p.Met1961Val)

Gene: SMCHD1 (structural maintenance of chromosomes flexible hinge domain containing 1; plus strand). Cytogenetic location: 18p11.32.
Variant type: single nucleotide variant.
Coding change: c.5881A>G on transcript NM_015295.3 (MANE Select); coding-DNA position 5881, A replaced by G.
Protein change: p.Met1961Val; replaces methionine 1961 with valine.
Molecular consequence: missense variant.
Genome position (GRCh38, 1-based): chr18:2,796,409, A>G. VCF-style: chr18-2796409-A-G. GRCh37 (hg19) VCF-style: chr18-2796407-A-G.
Other names: short protein forms M1961V.
Identifiers: ClinVar variation 1954367 (VCV001954367.5), dbSNP rs1568409239, ClinGen allele CA401691440.

ClinVar aggregate classification (germline): Uncertain significance (1 of 4 stars; one submission).

Conditions:
Facioscapulohumeral muscular dystrophy 2 (FSHD2). Also called: MUSCULAR DYSTROPHY, FACIOSCAPULOHUMERAL, TYPE 1B; FACIOSCAPULOHUMERAL MUSCULAR DYSTROPHY 2, DIGENIC; FSHD2, DIGENIC. Identifiers: Orphanet 269, MedGen C1834671, MONDO:0008031, OMIM 158901.

Allele frequency attached by ClinVar (database versions not stated): gnomAD exomes 0.00001; TOPMed 0.00001.

Submission:

Labcorp Genetics (formerly Invitae), Labcorp
Classification: Uncertain significance for Facioscapulohumeral muscular dystrophy 2. Last evaluated: 2022-04-09. Review status: criteria provided, single submitter. Criteria: Invitae Variant Classification Sherloc (09022015). Collection method: clinical testing. Allele origin: germline.
Comment: This sequence change replaces methionine, which is neutral and non-polar, with valine, which is neutral and non-polar, at codon 1961 of the SMCHD1 protein (p.Met1961Val). This variant is not present in population databases (gnomAD no frequency). This variant has not been reported in the literature in individuals affected with SMCHD1-related conditions. Algorithms developed to predict the effect of missense changes on protein structure and function output the following: SIFT: "Tolerated"; PolyPhen-2: "Benign"; Align-GVGD: "Class C0". The valine amino acid residue is found in multiple mammalian species, which suggests that this missense change does not adversely affect protein function. In summary, the available evidence is currently insufficient to determine the role of this variant in disease. Therefore, it has been classified as a Variant of Uncertain Significance.